The following is an entry in ClinVar:

ClinVar aggregate classification (germline): Uncertain significance. Review status: criteria provided, multiple submitters, no conflicts (2 of 4 stars). 2 submissions from 2 submitters: Uncertain significance (2). Last evaluated 2023-05-01.

Submissions (2):

Ambry Genetics
Classification: Uncertain significance. Last evaluated: 2023-05-01. Review status: criteria provided, single submitter. Criteria: Ambry Variant Classification Scheme 2023. Collection method: clinical testing. Allele origin: germline.
Comment: The c.1466_1470delTAACA variant, located in coding exon 12 of the RECQL gene, results from a deletion of 5 nucleotides at nucleotide positions 1466 to 1470, causing a translational frameshift with a predicted alternate stop codon (p.I489Rfs*18). This alteration is expected to result in loss of function by premature protein truncation or nonsense-mediated mRNA decay. The evidence for this gene-disease relationship is limited; therefore, the clinical significance of this alteration is unclear.

Labcorp Genetics (formerly Invitae), Labcorp
Classification: Uncertain significance. Last evaluated: 2021-09-19. Review status: criteria provided, single submitter. Criteria: Invitae Variant Classification Sherloc (09022015). Collection method: clinical testing. Allele origin: germline.
Comment: This sequence change creates a premature translational stop signal (p.Ile489Argfs*18) in the RECQL gene. It is expected to result in an absent or disrupted protein product. However, the current clinical and genetic evidence is not sufficient to establish whether loss-of-function variants in RECQL cause disease. This variant is not present in population databases (ExAC no frequency). This variant has not been reported in the literature in individuals affected with RECQL-related conditions. Experimental studies and prediction algorithms are not available or were not evaluated, and the functional significance of this variant is currently unknown. In summary, the available evidence is currently insufficient to determine the role of this variant in disease. Therefore, it has been classified as a Variant of Uncertain Significance.

NM_002907.4(RECQL):c.1466_1470del (p.Ile489fs)

Gene: RECQL (RecQ like helicase; minus strand). Cytogenetic location: 12p12.1.
Variant type: Deletion.
Coding change: c.1466_1470del on transcript NM_002907.4 (MANE Select); coding-DNA positions 1466 to 1470, 5 bases deleted (TAACA; older notation c.1466_1470delTAACA).
Protein change: p.Ile489fs; shifts the reading frame from isoleucine 489.
Molecular consequence: frameshift variant.
Genome position (GRCh38, 1-based): chr12:21,471,625-21,471,629, TGTTA deleted on the plus strand (TAACA on the coding strand, the reverse complement: RECQL is on the minus strand); deleting any 5 consecutive bases within chr12:21,471,625-21,471,633 gives the same sequence; the c. name uses the placement nearest the transcript's 3' end. VCF-style (leftmost placement, unchanged base first): chr12-21471624-CTGTTA-C. GRCh37 (hg19) VCF-style: chr12-21624558-CTGTTA-C.
Other names: c.1466_1470del, p.Ile489fs (NM_032941.3); c.1466_1470delTAACA (NM_002907.3); short protein forms I489fs.
Identifiers: ClinVar variation 1394674 (VCV001394674.9), dbSNP rs2137317509, ClinGen allele CA2573148365.